The following is an entry in ClinVar:

NM_000038.6(APC):c.6957A>T (p.Arg2319Ser)

Gene: APC (APC regulator of Wnt signaling pathway; plus strand). Cytogenetic location: 5q22.2.
Variant type: single nucleotide variant.
Coding change: c.6957A>T on transcript NM_000038.6 (MANE Select); coding-DNA position 6957, A replaced by T.
Protein change: p.Arg2319Ser; replaces arginine 2319 with serine.
Molecular consequence: missense variant.
Genome position (GRCh38, 1-based): chr5:112,842,551, A>T. VCF-style: chr5-112842551-A-T. GRCh37 (hg19) VCF-style: chr5-112178248-A-T.
Other names: c.6957A>T, p.Arg2319Ser (NM_001127510.3, NM_001354895.2, NM_001407450.1); c.6903A>T, p.Arg2301Ser (NM_001127511.3); c.7011A>T, p.Arg2337Ser (NM_001354896.2, NM_001407447.1, NM_001407448.1 and 1 more transcripts); c.6987A>T, p.Arg2329Ser (NM_001354897.2); c.6882A>T, p.Arg2294Ser (NM_001354898.2); c.6873A>T, p.Arg2291Ser (NM_001354899.2); c.6834A>T, p.Arg2278Ser (NM_001354900.2); c.6780A>T, p.Arg2260Ser (NM_001354901.2, NM_001407453.1); and 11 more; short protein forms R2228S, R2260S, R2294S, R2312S, R2236S, R2291S, R2319S, R2329S.
Identifiers: ClinVar variation 1756303 (VCV001756303.2), dbSNP rs1580676744, ClinGen allele CA16036506.
Genomic context (GRCh38, chr5:112,842,551, plus strand): 5'-TTCTAGATCAGGATCTAGAGATTCGACCCCTTCAAGACCTGCCCAGCAACCATTAAGTAG[A>T]CCTATACAGTCTCCTGGCCGAAACTCAATTTCCCCTGGTAGAAATGGAATAAGTCCTCCT-3'
Protein context (NP_000029.2, residues 2309-2329): PSRPAQQPLS[Arg2319Ser]PIQSPGRNSI

ClinVar aggregate classification (germline): Uncertain significance (1 of 4 stars; one submission).

Conditions:
Hereditary cancer-predisposing syndrome. Also called: Neoplastic Syndromes, Hereditary; Tumor predisposition; Hereditary Cancer Syndrome; Hereditary neoplastic syndrome. Identifiers: Orphanet 140162, MedGen C0027672, MeSH D009386, MONDO:0015356.

Submission:

Ambry Genetics
Classification: Uncertain significance for Hereditary cancer-predisposing syndrome. Last evaluated: 2020-06-30. Review status: criteria provided, single submitter. Criteria: Ambry Variant Classification Scheme 2023. Collection method: clinical testing. Allele origin: germline.
Comment: The p.R2319S variant (also known as c.6957A>T), located in coding exon 15 of the APC gene, results from an A to T substitution at nucleotide position 6957. The arginine at codon 2319 is replaced by serine, an amino acid with dissimilar properties. This amino acid position is well conserved in available vertebrate species. In addition, in silico predictors for this gene do not accurately predict pathogenicity. Since supporting evidence is limited at this time, the clinical significance of this alteration remains unclear.